The following is an entry in ClinVar:

GRCh37/hg19 22q11.1-11.21(chr22:17012935-21431054)x4

Genes: FAM230A (family with sequence similarity 230 member A; plus strand), TSSK2 (testis specific serine kinase 2; plus strand), USP41 (ubiquitin specific peptidase 41; minus strand), XKR3 (XK related 3; minus strand), ZDHHC8 (zDHHC palmitoyltransferase 8; plus strand) and 59 more. Cytogenetic location: 22q11.1-11.21.
Variant type: copy number gain.
Change: copy number 4 of chr22:17,012,935-21,431,054 (4.42 Mb, GRCh37 coordinates, 1-based), cytogenetic band 22q11.1-11.21.
Identifiers: ClinVar variation 268068 (VCV000268068.4).

ClinVar aggregate classification (germline): Pathogenic (1 of 4 stars; one submission).

Submission:

Clinical Genomics Laboratory, Laboratory for Precision Diagnostics, University of Washington
Classification: Pathogenic. Last evaluated: 2016-09-26. Review status: criteria provided, single submitter. Criteria: Clinical Cytogenomics Laboratory Policy on CNV Interpretation. Collection method: clinical testing. Allele origin: unknown. Affected: yes. Observed: 1 variant allele.
Comment: 2-copy gain present as small marker chromosome in 10-15% of cells.

Literature cited by the submitters: PubMed 11332976; PubMed 11693792; PubMed 22495764; PubMed 22890013.